The following is an entry in ClinVar:

NM_194248.3(OTOF):c.1045+2T>G

Gene: OTOF (otoferlin; minus strand). Cytogenetic location: 2p23.3.
Variant type: single nucleotide variant.
Coding change: c.1045+2T>G on transcript NM_194248.3 (MANE Select); the canonical splice donor site of the intron after coding-DNA position 1045, T replaced by G.
Molecular consequence: splice donor variant.
Genome position (GRCh38, 1-based): chr2:26,489,209, A>C on the plus strand (T>G on the coding strand, the complement: OTOF is on the minus strand). VCF-style: chr2-26489209-A-C. GRCh37 (hg19) VCF-style: chr2-26712077-A-C.
Other names: c.1045+2T>G (NM_001287489.2).
Identifiers: ClinVar variation 48163 (VCV000048163.12), dbSNP rs111033341, ClinGen allele CA262041.

ClinVar aggregate classification (germline): Pathogenic/Likely pathogenic. Review status: criteria provided, multiple submitters, no conflicts (2 of 4 stars). 2 submissions from 2 submitters: Pathogenic (1); Likely pathogenic (1). Last evaluated 2025-05-27.

Conditions:
Rare genetic deafness. Identifiers: Orphanet 96210, MedGen C5680250.

Allele frequency attached by ClinVar (database versions not stated): ExAC 0.00001; gnomAD 0.00001; TOPMed 0.00002; gnomAD exomes below 0.00001.
gnomAD v4.1: 7 of 1,603,076 alleles (0.00044%); highest among the groups gnomAD compares: African/African-American, 0.0013%; no homozygotes.

Submissions (2):

Labcorp Genetics (formerly Invitae), Labcorp
Classification: Pathogenic. Last evaluated: 2025-05-27. Review status: criteria provided, single submitter. Criteria: Invitae Variant Classification Sherloc (09022015). Collection method: clinical testing. Allele origin: germline.
Comment: This sequence change affects a donor splice site in intron 11 of the OTOF gene. It is expected to disrupt RNA splicing. Variants that disrupt the donor or acceptor splice site typically lead to a loss of protein function (PMID: 16199547), and loss-of-function variants in OTOF are known to be pathogenic (PMID: 18381613, 19250381, 22575033). This variant is present in population databases (rs111033341, gnomAD 0.0009%). Disruption of this splice site has been observed in individual(s) with auditory neuropathy (internal data). In at least one individual the data is consistent with being in trans (on the opposite chromosome) from a pathogenic variant. ClinVar contains an entry for this variant (Variation ID: 48163). Algorithms developed to predict the effect of sequence changes on RNA splicing suggest that this variant may disrupt the consensus splice site. For these reasons, this variant has been classified as Pathogenic.

Laboratory for Molecular Medicine, Mass General Brigham Personalized Medicine
Classification: Likely pathogenic for Rare genetic deafness. Last evaluated: 2008-03-01. Review status: criteria provided, single submitter. Criteria: LMM Criteria. Collection method: clinical testing. Allele origin: germline. Observed: 3 variant alleles.

Literature cited by the submitters: PubMed 16199547 (cited by Labcorp Genetics (formerly Invitae), Labcorp); PubMed 18381613 (cited by Labcorp Genetics (formerly Invitae), Labcorp); PubMed 19250381 (cited by Labcorp Genetics (formerly Invitae), Labcorp); PubMed 22575033 (cited by Labcorp Genetics (formerly Invitae), Labcorp).